The following is an entry in ClinVar:

NM_173630.4(RTTN):c.885A>G (p.Ala295=)

Gene: RTTN (rotatin; minus strand). Cytogenetic location: 18q22.2.
Variant type: single nucleotide variant.
Coding change: c.885A>G on transcript NM_173630.4 (MANE Select); coding-DNA position 885, A replaced by G.
Protein change: p.Ala295=; no amino-acid change (alanine 295 retained).
Molecular consequence: synonymous variant. On other transcripts: 5 prime UTR variant (1).
Genome position (GRCh38, 1-based): chr18:70,193,410, T>C on the plus strand (A>G on the coding strand, the complement: RTTN is on the minus strand). VCF-style: chr18-70193410-T-C. GRCh37 (hg19) VCF-style: chr18-67860646-T-C.
Other names: c.-1669A>G (NM_001318520.2).
Identifiers: ClinVar variation 386474 (VCV000386474.48), dbSNP rs148445363, ClinGen allele CA8996327.
Genomic context (GRCh38, chr18:70,193,410, plus strand): 5'-CACAGAAGGCCGAGGGCTGCTGCTTCCTGGGGAAGGATTCTGGGAATGATGAGTACCTCT[T>C]GCTTCATGACAATAAGACAAAGAAGAATTTTGGGAAACTGTGTCTGGGGAAACAAAGAAA-3'
Protein context (NP_775901.3, residues 285-305): QNSSLSYCHE[Ala295=]RGTHHSQNPS

ClinVar aggregate classification (germline): Likely benign. Review status: criteria provided, multiple submitters, no conflicts (2 of 4 stars). 5 submissions from 5 submitters: Likely benign (5). Last evaluated 2026-09-01.

Allele frequency attached by ClinVar (database versions not stated): ESP Exome Variant Server 0.00067; ExAC 0.00070; gnomAD exomes 0.00087 and 0.00160; TOPMed 0.00093; 1000 Genomes Project 30x 0.00109; gnomAD 0.00111 and 0.00112; 1000 Genomes Project 0.00120.
gnomAD v4.1: 2,472 of 1,592,982 alleles (0.16%); highest among the groups gnomAD compares: Non-Finnish European, 0.19%; 2 homozygotes.

Submissions (5):

CeGaT Center for Human Genetics Tuebingen
Classification: Likely benign. Last evaluated: 2026-09-01. Review status: criteria provided, single submitter. Criteria: CeGaT Center For Human Genetics Tuebingen Variant Classification Criteria Version 2. Collection method: clinical testing. Allele origin: germline. Affected: yes. Observed: 10 variant alleles.
Comment: RTTN: BP4, BP7

Labcorp Genetics (formerly Invitae), Labcorp
Classification: Likely benign. Last evaluated: 2026-02-01. Review status: criteria provided, single submitter. Criteria: Invitae Variant Classification Sherloc (09022015). Collection method: clinical testing. Allele origin: germline.

Blueprint Genetics
Classification: Likely benign. Last evaluated: 2024-11-21. Review status: criteria provided, single submitter. Criteria: ACMG Guidelines, 2015. Collection method: clinical testing. Allele origin: germline.

Genetic Services Laboratory, University of Chicago
Classification: Likely benign. Last evaluated: 2021-12-27. Review status: criteria provided, single submitter. Criteria: ACMG Guidelines, 2015. Collection method: clinical testing. Allele origin: germline. Affected: no.

GeneDx
Classification: Likely benign. Last evaluated: 2021-05-12. Review status: criteria provided, single submitter. Criteria: GeneDx Variant Classification Process June 2021. Collection method: clinical testing. Allele origin: germline. Affected: yes.